The following is an entry in ClinVar:

NM_000041.4(APOE):c.786G>A (p.Glu262=)

Gene: APOE (apolipoprotein E; plus strand). Cytogenetic location: 19q13.32.
Variant type: single nucleotide variant.
Coding change: c.786G>A on transcript NM_000041.4 (MANE Select); coding-DNA position 786, G replaced by A.
Protein change: p.Glu262=; no amino-acid change (glutamic acid 262 retained).
Molecular consequence: synonymous variant.
Genome position (GRCh38, 1-based): chr19:44,909,082, G>A. VCF-style: chr19-44909082-G-A. GRCh37 (hg19) VCF-style: chr19-45412339-G-A.
Other names: c.786G>A (NM_000041.3); c.864G>A, p.Glu288= (NM_001302688.2); c.786G>A, p.Glu262= (NM_001302689.2, NM_001302690.2, NM_001302691.2).
Identifiers: ClinVar variation 1209955 (VCV001209955.8), dbSNP rs569017773, ClinGen allele CA9506097.

ClinVar aggregate classification (germline): Likely benign. Review status: criteria provided, multiple submitters, no conflicts (2 of 4 stars). 5 submissions from 5 submitters: Likely benign (2). 3 of the submissions do not count toward it. Last evaluated 2024-08-17.

Conditions:
Cardiovascular phenotype. Identifiers: MedGen CN230736.
APOE-related disorder. Also called: APOE-related condition.

Allele frequency attached by ClinVar (database versions not stated): TOPMed 0.00002; gnomAD 0.00005; gnomAD exomes 0.00014 and 0.00032; 1000 Genomes Project 0.00060; 1000 Genomes Project 30x 0.00078; ExAC 0.00100.
gnomAD v4.1: 215 of 1,581,552 alleles (0.014%); highest among the groups gnomAD compares: South Asian, 0.23%; 2 homozygotes.

Submissions (5):

Blueprint Genetics
Classification: Likely benign. Last evaluated: 2024-08-17. Review status: criteria provided, single submitter. Criteria: ACMG Guidelines, 2015. Collection method: clinical testing. Allele origin: germline.

Ambry Genetics
Classification: Likely benign for Cardiovascular phenotype. Last evaluated: 2020-10-18. Review status: criteria provided, single submitter. Criteria: Ambry Variant Classification Scheme 2023. Collection method: clinical testing. Allele origin: germline.

PreventionGenetics, part of Exact Sciences
Classification: Likely benign for APOE-related condition. Last evaluated: 2019-05-08. Review status: no assertion criteria provided. Collection method: clinical testing. Allele origin: germline. Not counted in ClinVar's aggregate classification.
Comment: This variant is classified as likely benign based on ACMG/AMP sequence variant interpretation guidelines (Richards et al. 2015 PMID: 25741868, with internal and published modifications).

Clinical Genetics, Academic Medical Center
Classification: Likely benign. Review status: no assertion criteria provided. Collection method: clinical testing. Allele origin: germline. Affected: yes. Study: VKGL Data-share Consensus. Not counted in ClinVar's aggregate classification.

Genome Diagnostics Laboratory, Amsterdam University Medical Center
Classification: Likely benign. Review status: no assertion criteria provided. Collection method: clinical testing. Allele origin: germline. Affected: yes. Study: VKGL Data-share Consensus. Not counted in ClinVar's aggregate classification.